The following is an entry in ClinVar:

ClinVar aggregate classification (germline): Uncertain significance. Review status: criteria provided, multiple submitters, no conflicts (2 of 4 stars). 3 submissions from 3 submitters: Uncertain significance (3). Last evaluated 2026-04-30.

Conditions:
Autosomal dominant nonsyndromic hearing loss 65. Also called: TBC1D24-Related Autosomal Dominant Nonsyndromic Hearing Loss (DFNA); Deafness, autosomal dominant 65. Identifiers: Orphanet 90635, MedGen C3892048, MONDO:0014470, OMIM 616044.
Developmental and epileptic encephalopathy, 1 (DEE1). Also called: X-linked infantile spasms; West's syndrome; Tonic spasms with clustering, arrest of psychomotor development and hypsarrhythmia on EEG; X-Linked Infantile Spasm Syndrome; OHTAHARA SYNDROME, X-LINKED; Epileptic encephalopathy, early infantile, 1. Identifiers: MedGen C3463992, MONDO:0010632, OMIM 308350. Disease mechanism: loss of function.
TBC1D24-related disorder. Also called: TBC1D24-related disorders; TBC1D24-related condition. Identifiers: MedGen CN381194.
Inborn genetic diseases. Identifiers: MedGen C0950123, MeSH D030342.

Allele frequency attached by ClinVar (database versions not stated): gnomAD exomes below 0.00001; gnomAD 0.00001; ExAC 0.00003; TOPMed 0.00005.
gnomAD v4.1: 4 of 1,608,246 alleles (0.00025%); highest among the groups gnomAD compares: African/African-American, 0.004%; no homozygotes.

Submissions (3):

PreventionGenetics, part of Exact Sciences
Classification: Uncertain significance for TBC1D24-related condition. Last evaluated: 2026-04-30. Review status: criteria provided, single submitter. Criteria: ACMG Guidelines, 2015. Collection method: clinical testing. Allele origin: germline.
Comment: The TBC1D24 c.991G>A variant is predicted to result in the amino acid substitution p.Val331Ile. To our knowledge, this variant has not been reported in the literature. This variant is reported in 0.0070% of alleles in individuals of African descent in gnomAD. At this time, the clinical significance of this variant is uncertain due to the absence of conclusive functional and genetic evidence.

Labcorp Genetics (formerly Invitae), Labcorp
Classification: Uncertain significance for Developmental and epileptic encephalopathy, 1; Autosomal dominant nonsyndromic hearing loss 65. Last evaluated: 2024-10-15. Review status: criteria provided, single submitter. Criteria: Invitae Variant Classification Sherloc (09022015). Collection method: clinical testing. Allele origin: germline.
Comment: This sequence change replaces valine, which is neutral and non-polar, with isoleucine, which is neutral and non-polar, at codon 331 of the TBC1D24 protein (p.Val331Ile). This variant is present in population databases (rs759817805, gnomAD 0.007%). This variant has not been reported in the literature in individuals affected with TBC1D24-related conditions. ClinVar contains an entry for this variant (Variation ID: 2202399). Invitae Evidence Modeling of protein sequence and biophysical properties (such as structural, functional, and spatial information, amino acid conservation, physicochemical variation, residue mobility, and thermodynamic stability) indicates that this missense variant is not expected to disrupt TBC1D24 protein function with a negative predictive value of 80%. In summary, the available evidence is currently insufficient to determine the role of this variant in disease. Therefore, it has been classified as a Variant of Uncertain Significance.

Ambry Genetics
Classification: Uncertain significance for Inborn genetic diseases. Last evaluated: 2021-05-04. Review status: criteria provided, single submitter. Criteria: Ambry Variant Classification Scheme 2023. Collection method: clinical testing. Allele origin: germline.

NM_001199107.2(TBC1D24):c.991G>A (p.Val331Ile)

Gene: TBC1D24 (TBC1 domain family member 24; plus strand). Cytogenetic location: 16p13.3.
Variant type: single nucleotide variant.
Coding change: c.991G>A on transcript NM_001199107.2 (MANE Select); coding-DNA position 991, G replaced by A.
Protein change: p.Val331Ile; replaces valine 331 with isoleucine.
Molecular consequence: missense variant.
Genome position (GRCh38, 1-based): chr16:2,498,245, G>A. VCF-style: chr16-2498245-G-A. GRCh37 (hg19) VCF-style: chr16-2548246-G-A.
Other names: c.973G>A, p.Val325Ile (NM_020705.3); c.973G>A (NM_020705.2); c.991G>A (NM_001199107.1); short protein forms V331I, V325I.
Identifiers: ClinVar variation 2202399 (VCV002202399.6), dbSNP rs759817805, ClinGen allele CA7844131.